The following is an entry in ClinVar:

NM_138413.4(HOGA1):c.569C>T (p.Pro190Leu)

Gene: HOGA1 (4-hydroxy-2-oxoglutarate aldolase 1; plus strand). Cytogenetic location: 10q24.2.
Variant type: single nucleotide variant.
Coding change: c.569C>T on transcript NM_138413.4 (MANE Select); coding-DNA position 569, C replaced by T.
Protein change: p.Pro190Leu; replaces proline 190 with leucine.
Molecular consequence: missense variant. On other transcripts: intron variant (1).
Genome position (GRCh38, 1-based): chr10:97,599,780, C>T. VCF-style: chr10-97599780-C-T. GRCh37 (hg19) VCF-style: chr10-99359537-C-T.
Other names: c.212-2077C>T (NM_001134670.2); short protein forms P190L.
Identifiers: ClinVar variation 204273 (VCV000204273.23), dbSNP rs202047589, ClinGen allele CA203955.

ClinVar aggregate classification (germline): Pathogenic/Likely pathogenic. Review status: criteria provided, multiple submitters, no conflicts (2 of 4 stars). 13 submissions from 13 submitters: Pathogenic (7); Likely pathogenic (5). 1 of the submissions does not count toward it. Last evaluated 2026-02-13.

Conditions:
HOGA1-related disorders.
HOGA1-related disorder. Also called: HOGA1-related condition.
Primary hyperoxaluria type 3. Also called: PH III. Identifiers: Orphanet 416, Orphanet 93600, MedGen C3150878, MONDO:0013327, OMIM 613616. Disease mechanism: loss of function.

Allele frequency attached by ClinVar (database versions not stated): ExAC 0.00006; gnomAD exomes 0.00005 and 0.00004; gnomAD 0.00007; ESP Exome Variant Server 0.00008; TOPMed 0.00009.
gnomAD v4.1: 91 of 1,614,044 alleles (0.0056%); highest among the groups gnomAD compares: Middle Eastern, 0.033%; no homozygotes.

Submissions (13):

OLLIN Analises Genomicas, OLLIN
Classification: Pathogenic for Primary hyperoxaluria type 3. Last evaluated: 2026-02-13. Review status: criteria provided, single submitter. Criteria: ACMG Guidelines 2015 PMID 25741868. Collection method: clinical testing. Allele origin: germline. Observed: 1 variant allele.
Comment: PS3_P, PM2_P, PM3_S, PM5, PP1, PP3_M

3billion
Classification: Pathogenic for Primary hyperoxaluria type 3. Last evaluated: 2026-01-21. Review status: criteria provided, single submitter. Criteria: ACMG Guidelines, 2015. Collection method: clinical testing. Allele origin: germline. Affected: yes.
Comment: The variant is observed at an extremely low frequency in the gnomAD v4.1.0 dataset (total allele frequency: 0.006%). Predicted Consequence/Location: Missense variant In silico tool predictions suggest damaging effect of the variant on gene or gene product [REVEL: 0.88 (>=0.6, sensitivity 0.68 and specificity 0.92); 3Cnet: 0.82 (> 0.75, sensitivity 0.96 and precision 0.92)]. The same nucleotide change resulting in the same amino acid change has been previously reported as pathogenic/likely pathogenic with strong evidence (ClinVar ID: VCV000204273 /PMID: 21896830). Different missense changes at the same codon (p.Pro190Ala, p.Pro190Ser) have been reported as pathogenic/likely pathogenic with strong evidence (ClinVar ID: VCV001066173, VCV002863899). Therefore, this variant is classified as Pathogenic according to the recommendation of ACMG/AMP guideline.

PreventionGenetics, part of Exact Sciences
Classification: Pathogenic for HOGA1-related condition. Last evaluated: 2025-12-09. Review status: criteria provided, single submitter. Criteria: ACMG Guidelines, 2015. Collection method: clinical testing. Allele origin: germline.
Comment: The HOGA1 c.569C>T variant is predicted to result in the amino acid substitution p.Pro190Leu. This variant has been reported, in the homozygous state or in the heterozygous state along with a second potential causative variant in the same gene, in several individuals with primary hyperoxaluria type 3 (Monico et al. 2011. PubMed ID: 21896830; M'dimegh et al. 2017. PubMed ID: 27561601; Beck et al. 2013. PubMed ID: 22781098). Functional analysis indicates this variant may result in an unstable protein (Riedel et al. 2012. PubMed ID: 22771891). This variant is reported in 0.032% of alleles in individuals of European (Finnish) descent in gnomAD. This variant is interpreted as pathogenic.

Natera, Inc.
Classification: Likely pathogenic for Primary hyperoxaluria type III. Last evaluated: 2025-09-04. Review status: criteria provided, single submitter. Criteria: Natera Variant Classification Schema (03/2026). Collection method: clinical testing. Allele origin: germline.
Comment: The c.569C>T variant in HOGA1 is a missense variant predicted to cause substitution of proline to leucine at amino acid 190. This variant is rare in the general population with a frequency below the threshold expected for the associated phenotype(s). This variant has been observed in one or more individuals affected with the associated recessive disease, as either homozygous or compound heterozygous with a second variant (PMID: 21896830, 28711958, 27561601). Additionally, this variant has been observed to segregate in affected family members (PMID: 22781098). Computational prediction algorithms indicate this variant is likely to affect gene or protein function. Given the available evidence, this variant is classified as Likely Pathogenic.

GeneDx
Classification: Likely pathogenic. Last evaluated: 2025-04-23. Review status: criteria provided, single submitter. Criteria: GeneDx Variant Classification Process June 2021. Collection method: clinical testing. Allele origin: germline. Affected: yes.
Comment: Published functional studies demonstrate a damaging effect; the p.P190L variant causes unstable protein, cellular mislocalization and with a tendency to aggregate, and retains no measurable activity (PMID: 22771891); In silico analysis supports that this missense variant has a deleterious effect on protein structure/function; This variant is associated with the following publications: (PMID: 27561601, 28711958, 31584309, 25972204, 21998747, 22781098, 21896830, 34426522, 36185032, 37318624, 31980526, 38178268, 22771891, 33865885)

Labcorp Genetics (formerly Invitae), Labcorp
Classification: Pathogenic. Last evaluated: 2025-04-03. Review status: criteria provided, single submitter. Criteria: Invitae Variant Classification Sherloc (09022015). Collection method: clinical testing. Allele origin: germline.
Comment: This sequence change replaces proline, which is neutral and non-polar, with leucine, which is neutral and non-polar, at codon 190 of the HOGA1 protein (p.Pro190Leu). This variant is present in population databases (rs202047589, gnomAD 0.04%). This missense change has been observed in individuals with primary hyperoxaluria (PMID: 21896830, 22781098, 27561601). It has also been observed to segregate with disease in related individuals. ClinVar contains an entry for this variant (Variation ID: 204273). Invitae Evidence Modeling of protein sequence and biophysical properties (such as structural, functional, and spatial information, amino acid conservation, physicochemical variation, residue mobility, and thermodynamic stability) indicates that this missense variant is expected to disrupt HOGA1 protein function with a positive predictive value of 95%. Experimental studies have shown that this missense change affects HOGA1 function (PMID: 22771891). For these reasons, this variant has been classified as Pathogenic.

Blueprint Genetics
Classification: Pathogenic for HOGA1-related disorders. Last evaluated: 2024-09-05. Review status: criteria provided, single submitter. Criteria: ACMG Guidelines, 2015. Collection method: clinical testing. Allele origin: germline. Affected: yes. Observed: 5 variant alleles.

MVZ Medizinische Genetik Mainz
Classification: Likely pathogenic for Primary hyperoxaluria type 3. Last evaluated: 2024-05-16. Review status: criteria provided, single submitter. Criteria: UK Practice Guidelines For Variant Classification V4 01 2020. Collection method: clinical testing. Allele origin: germline. Inheritance: Autosomal recessive inheritance. Affected: yes. Observed: 1 variant allele.
Comment: ACMG Criteria: PM3,PP3_MOD,PS3_SUP,PM2_SUP,PP4

Genomic Medicine Center of Excellence, King Faisal Specialist Hospital and Research Centre
Classification: Pathogenic for Primary hyperoxaluria type 3. Last evaluated: 2024-03-29. Review status: criteria provided, single submitter. Criteria: ACMG Guidelines, 2015. Collection method: clinical testing. Allele origin: germline.

Fulgent Genetics
Classification: Likely pathogenic for Primary hyperoxaluria type 3. Last evaluated: 2024-03-23. Review status: criteria provided, single submitter. Criteria: ACMG Guidelines, 2015. Collection method: clinical testing. Allele origin: germline.

Women's Health and Genetics/Laboratory Corporation of America, LabCorp
Classification: Pathogenic for Primary hyperoxaluria type 3. Last evaluated: 2021-10-14. Review status: criteria provided, single submitter. Criteria: LabCorp Variant Classification Summary - May 2015. Collection method: clinical testing. Allele origin: germline.
Comment: Variant summary: HOGA1 c.569C>T (p.Pro190Leu) results in a non-conservative amino acid change in the encoded protein sequence. Five of five in-silico tools predict a damaging effect of the variant on protein function. The variant allele was found at a frequency of 4.4e-05 in 251866 control chromosomes (gnomAD and publication data). This frequency is not significantly higher than expected for a pathogenic variant in HOGA1 causing Primary Hyperoxaluria, Type III (4.4e-05 vs 0.0015), allowing no conclusion about variant significance. c.569C>T has been reported in the literature in multiple individuals affected with Primary Hyperoxaluria, Type III (Monico_2011, Beck_2012, Martin-Higueras_2021). Additionally, this variant was found in three homozygous patients in one family and co-segregated with disease (Beck_2012). These data indicate that the variant is very likely to be associated with disease. Functional studies report experimental evidence evaluating an impact on protein function and this variant effect results in reducing expressed hHOGA protein level and hHOGA activity compared to wild-type in transfected cells (Riedel_2012, Beck_2012). Two ClinVar submitters (evaluation after 2014) cite the variant as pathogenic and likely pathogenic. Based on the evidence outlined above, the variant was classified as pathogenic.

Revvity Omics, Revvity
Classification: Likely pathogenic. Last evaluated: 2021-09-08. Review status: criteria provided, single submitter. Criteria: ACMG Guidelines, 2015. Collection method: clinical testing. Allele origin: germline.

Clinical Biochemistry Laboratory, Health Services Laboratory
Classification: Pathogenic for Primary hyperoxaluria, type III. Last evaluated: 2014-11-27. Review status: no assertion criteria provided. Collection method: research. Allele origin: germline. Affected: yes. Not counted in ClinVar's aggregate classification.

Literature cited by the submitters: PubMed 21896830 (cited by 5 submitters); PubMed 28711958 (cited by Natera, Inc.); PubMed 27561601 (cited by Natera, Inc. and Labcorp Genetics (formerly Invitae), Labcorp); PubMed 22781098 (cited by 3 submitters); PubMed 22771891 (cited by Labcorp Genetics (formerly Invitae), Labcorp and Women's Health and Genetics/Laboratory Corporation of America, LabCorp); PubMed 33865885 (cited by Women's Health and Genetics/Laboratory Corporation of America, LabCorp); PubMed 21998747 (cited by Women's Health and Genetics/Laboratory Corporation of America, LabCorp).